The following is an entry in ClinVar:

ClinVar aggregate classification (germline): Uncertain significance (1 of 4 stars; one submission).

Allele frequency attached by ClinVar (database versions not stated): gnomAD exomes 0.00001.
gnomAD v4.1: 18 of 1,614,210 alleles (0.0011%); highest among the groups gnomAD compares: African/African-American, 0.0027%; no homozygotes.

Submission:

Labcorp Genetics (formerly Invitae), Labcorp
Classification: Uncertain significance. Last evaluated: 2022-04-11. Review status: criteria provided, single submitter. Criteria: Invitae Variant Classification Sherloc (09022015). Collection method: clinical testing. Allele origin: germline.
Comment: This sequence change replaces aspartic acid, which is acidic and polar, with histidine, which is basic and polar, at codon 869 of the EXTL3 protein (p.Asp869His). This variant is not present in population databases (gnomAD no frequency). This variant has not been reported in the literature in individuals affected with EXTL3-related conditions. Algorithms developed to predict the effect of missense changes on protein structure and function are either unavailable or do not agree on the potential impact of this missense change (SIFT: "Deleterious"; PolyPhen-2: "Possibly Damaging"; Align-GVGD: "Class C0"). In summary, the available evidence is currently insufficient to determine the role of this variant in disease. Therefore, it has been classified as a Variant of Uncertain Significance.

NM_001440.4(EXTL3):c.2605G>C (p.Asp869His)

Gene: EXTL3 (exostosin like glycosyltransferase 3; plus strand). Cytogenetic location: 8p21.1.
Variant type: single nucleotide variant.
Coding change: c.2605G>C on transcript NM_001440.4 (MANE Select); coding-DNA position 2605, G replaced by C.
Protein change: p.Asp869His; replaces aspartic acid 869 with histidine.
Molecular consequence: missense variant. On other transcripts: non-coding transcript variant (1).
Genome position (GRCh38, 1-based): chr8:28,750,711, G>C. VCF-style: chr8-28750711-G-C. GRCh37 (hg19) VCF-style: chr8-28608228-G-C.
Other names: short protein forms D869H.
Identifiers: ClinVar variation 1896258 (VCV001896258.2), dbSNP rs761340396, ClinGen allele CA174363965.